The following is an entry in ClinVar:

NM_001040108.2(MLH3):c.2548C>T (p.Pro850Ser)

Gene: MLH3 (mutL homolog 3; minus strand). Cytogenetic location: 14q24.3.
Variant type: single nucleotide variant.
Coding change: c.2548C>T on transcript NM_001040108.2 (MANE Select); coding-DNA position 2548, C replaced by T.
Protein change: p.Pro850Ser; replaces proline 850 with serine.
Molecular consequence: missense variant.
Genome position (GRCh38, 1-based): chr14:75,047,108, G>A on the plus strand (C>T on the coding strand, the complement: MLH3 is on the minus strand). VCF-style: chr14-75047108-G-A. GRCh37 (hg19) VCF-style: chr14-75513811-G-A.
Other names: c.2548C>T, p.Pro850Ser (NM_014381.3); short protein forms P850S.
Identifiers: ClinVar variation 3232489 (VCV003232489.1), dbSNP rs575583330, ClinGen allele CA390439910.
Genomic context (GRCh38, chr14:75,047,108, plus strand): 5'-ATGACTTCTCAAGGTCCAAAGGTTTTCTATTAAAGAGAGATAACTCCTTCAGGGTCATAG[G>A]ACTTTCTCTCAAACTAGGCATCTGTTGTTCTAAACAATCTTCATCCTTGGAGAATGGAAA-3'
Protein context (NP_001035197.1, residues 840-860): EQQMPSLRES[Pro850Ser]MTLKELSLFN

ClinVar aggregate classification (germline): Uncertain significance (1 of 4 stars; one submission).

gnomAD v4.1: 2 of 1,614,140 alleles (0.00012%); highest among the groups gnomAD compares: East Asian, 0.0022%; no homozygotes.

Submission:

Ambry Genetics
Classification: Uncertain significance. Last evaluated: 2024-03-14. Review status: criteria provided, single submitter. Criteria: Ambry Variant Classification Scheme 2023. Collection method: clinical testing. Allele origin: germline.
Comment: The p.P850S variant (also known as c.2548C>T), located in coding exon 1 of the MLH3 gene, results from a C to T substitution at nucleotide position 2548. The proline at codon 850 is replaced by serine, an amino acid with similar properties. This amino acid position is conserved. In addition, the in silico prediction for this alteration is inconclusive. Based on the available evidence, the clinical significance of this alteration remains unclear.